The following is an entry in ClinVar:

ClinVar aggregate classification (germline): Uncertain significance (1 of 4 stars; one submission).

Allele frequency attached by ClinVar (database versions not stated): gnomAD exomes below 0.00001; gnomAD 0.00001; TOPMed 0.00001.
gnomAD v4.1: 11 of 1,598,416 alleles (0.00069%); highest among the groups gnomAD compares: African/African-American, 0.0014%; no homozygotes.

Submission:

Labcorp Genetics (formerly Invitae), Labcorp
Classification: Uncertain significance. Last evaluated: 2023-02-20. Review status: criteria provided, single submitter. Criteria: Invitae Variant Classification Sherloc (09022015). Collection method: clinical testing. Allele origin: germline.
Comment: This sequence change replaces threonine, which is neutral and polar, with isoleucine, which is neutral and non-polar, at codon 317 of the GUCY2C protein (p.Thr317Ile). This variant is not present in population databases (gnomAD no frequency). This variant has not been reported in the literature in individuals affected with GUCY2C-related conditions. ClinVar contains an entry for this variant (Variation ID: 1408676). An algorithm developed to predict the effect of missense changes on protein structure and function (PolyPhen-2) suggests that this variant is likely to be tolerated. In summary, the available evidence is currently insufficient to determine the role of this variant in disease. Therefore, it has been classified as a Variant of Uncertain Significance.

NM_004963.4(GUCY2C):c.950C>T (p.Thr317Ile)

Genes: GUCY2C (guanylate cyclase 2C; minus strand), GUCY2C-AS1 (GUCY2C antisense RNA 1; plus strand). Cytogenetic location: 12p12.3.
Variant type: single nucleotide variant.
Coding change: c.950C>T on transcript NM_004963.4 (MANE Select); coding-DNA position 950, C replaced by T.
Protein change: p.Thr317Ile; replaces threonine 317 with isoleucine.
Molecular consequence: missense variant.
Genome position (GRCh38, 1-based): chr12:14,674,759, G>A on the plus strand (C>T on the coding strand, the complement: GUCY2C is on the minus strand). VCF-style: chr12-14674759-G-A. GRCh37 (hg19) VCF-style: chr12-14827693-G-A.
Other names: short protein forms T317I.
Identifiers: ClinVar variation 1408676 (VCV001408676.8), dbSNP rs1565630574, ClinGen allele CA384001824.